The following is an entry in ClinVar:

ClinVar aggregate classification (germline): Uncertain significance. Review status: criteria provided, multiple submitters, no conflicts (2 of 4 stars). 2 submissions from 2 submitters: Uncertain significance (2). Last evaluated 2025-02-10.

Conditions:
MEGF10-related myopathy (CMYO10A). Also called: Congenital myopathy 10A, severe variant. Identifiers: Orphanet 439212, MedGen C3280679, MONDO:0013731, OMIM 614399.

Submissions (2):

Revvity Omics, Revvity
Classification: Uncertain significance. Last evaluated: 2025-02-10. Review status: criteria provided, single submitter. Criteria: ACMG Guidelines, 2015. Collection method: clinical testing. Allele origin: germline.

Labcorp Genetics (formerly Invitae), Labcorp
Classification: Uncertain significance for MEGF10-related myopathy. Last evaluated: 2022-02-06. Review status: criteria provided, single submitter. Criteria: Invitae Variant Classification Sherloc (09022015). Collection method: clinical testing. Allele origin: germline.
Comment: This variant has not been reported in the literature in individuals affected with MEGF10-related conditions. This variant is not present in population databases (gnomAD no frequency). This sequence change replaces glycine, which is neutral and non-polar, with aspartic acid, which is acidic and polar, at codon 861 of the MEGF10 protein (p.Gly861Asp). Algorithms developed to predict the effect of missense changes on protein structure and function are either unavailable or do not agree on the potential impact of this missense change (SIFT: "Deleterious"; PolyPhen-2: "Probably Damaging"; Align-GVGD: "Class C0"). In summary, the available evidence is currently insufficient to determine the role of this variant in disease. Therefore, it has been classified as a Variant of Uncertain Significance.

NM_001256545.2(MEGF10):c.2582G>A (p.Gly861Asp)

Gene: MEGF10 (multiple EGF like domains 10; plus strand). Cytogenetic location: 5q23.2.
Variant type: single nucleotide variant.
Coding change: c.2582G>A on transcript NM_001256545.2 (MANE Select); coding-DNA position 2582, G replaced by A.
Protein change: p.Gly861Asp; replaces glycine 861 with aspartic acid.
Molecular consequence: missense variant.
Genome position (GRCh38, 1-based): chr5:127,445,547, G>A. VCF-style: chr5-127445547-G-A. GRCh37 (hg19) VCF-style: chr5-126781239-G-A.
Other names: c.2582G>A, p.Gly861Asp (NM_032446.3); short protein forms G861D.
Identifiers: ClinVar variation 2072532 (VCV002072532.5), dbSNP rs2479786703, ClinGen allele CA360734709.